The following is an entry in ClinVar:

NM_005560.6(LAMA5):c.9726G>A (p.Pro3242=)

Gene: LAMA5 (laminin subunit alpha 5; minus strand). Cytogenetic location: 20q13.33.
Variant type: single nucleotide variant.
Coding change: c.9726G>A on transcript NM_005560.6 (MANE Select); coding-DNA position 9726, G replaced by A.
Protein change: p.Pro3242=; no amino-acid change (proline 3242 retained).
Molecular consequence: synonymous variant.
Genome position (GRCh38, 1-based): chr20:62,311,694, C>T on the plus strand (G>A on the coding strand, the complement: LAMA5 is on the minus strand). VCF-style: chr20-62311694-C-T. GRCh37 (hg19) VCF-style: chr20-60886750-C-T.
Other names: c.9726G>A (NM_005560.4).
Identifiers: ClinVar variation 2061084 (VCV002061084.30), dbSNP rs374794377, ClinGen allele CA9940084.

ClinVar aggregate classification (germline): Benign/Likely benign. Review status: criteria provided, multiple submitters, no conflicts (2 of 4 stars). 4 submissions from 4 submitters: Benign (1); Likely benign (2). 1 of the submissions does not count toward it. Last evaluated 2025-07-02.

Conditions:
LAMA5-related disorder. Also called: LAMA5-related condition; LAMA5-Related Disorders.

Allele frequency attached by ClinVar (database versions not stated): ESP Exome Variant Server 0.00031; gnomAD 0.00043; TOPMed 0.00046; ExAC 0.00077.
gnomAD v4.1: 982 of 1,579,796 alleles (0.062%); highest among the groups gnomAD compares: Non-Finnish European, 0.066%; 2 homozygotes.

Submissions (4):

Labcorp Genetics (formerly Invitae), Labcorp
Classification: Benign. Last evaluated: 2025-07-02. Review status: criteria provided, single submitter. Criteria: Invitae Variant Classification Sherloc (09022015). Collection method: clinical testing. Allele origin: germline.

Blueprint Genetics
Classification: Likely benign. Last evaluated: 2024-10-28. Review status: criteria provided, single submitter. Criteria: ACMG Guidelines, 2015. Collection method: clinical testing. Allele origin: germline.

CeGaT Center for Human Genetics Tuebingen
Classification: Likely benign. Last evaluated: 2022-08-01. Review status: criteria provided, single submitter. Criteria: CeGaT Center For Human Genetics Tuebingen Variant Classification Criteria Version 2. Collection method: clinical testing. Allele origin: germline. Affected: yes. Observed: 2 variant alleles.
Comment: LAMA5: BP4, BP7

PreventionGenetics, part of Exact Sciences
Classification: Likely benign for LAMA5-related condition. Last evaluated: 2019-05-24. Review status: no assertion criteria provided. Collection method: clinical testing. Allele origin: germline. Not counted in ClinVar's aggregate classification.
Comment: This variant is classified as likely benign based on ACMG/AMP sequence variant interpretation guidelines (Richards et al. 2015 PMID: 25741868, with internal and published modifications).